The following is an entry in ClinVar:

NM_014363.6(SACS):c.3836G>A (p.Trp1279Ter)

Gene: SACS (sacsin molecular chaperone; minus strand). Cytogenetic location: 13q12.12.
Variant type: single nucleotide variant.
Coding change: c.3836G>A on transcript NM_014363.6 (MANE Select); coding-DNA position 3836, G replaced by A.
Protein change: p.Trp1279Ter; replaces tryptophan 1279 with a stop codon.
Molecular consequence: nonsense.
Genome position (GRCh38, 1-based): chr13:23,340,040, C>T on the plus strand (G>A on the coding strand, the complement: SACS is on the minus strand). VCF-style: chr13-23340040-C-T. GRCh37 (hg19) VCF-style: chr13-23914179-C-T.
Other names: c.3395G>A, p.Trp1132Ter (NM_001278055.2); short protein forms W1132*, W1279*.
Identifiers: ClinVar variation 1343106 (VCV001343106.6), dbSNP rs756963289, ClinGen allele CA6911467.

ClinVar aggregate classification (germline): Pathogenic/Likely pathogenic. Review status: criteria provided, multiple submitters, no conflicts (2 of 4 stars). 2 submissions from 2 submitters: Pathogenic (1); Likely pathogenic (1). Last evaluated 2023-08-16.

Conditions:
Spastic paraplegia. Identifiers: MedGen C0037772, HP:0001258.
Charlevoix-Saguenay spastic ataxia (SACS). Also called: AUTOSOMAL RECESSIVE SPASTIC ATAXIA OF CHARLEVOIX-SAGUENAY; Spastic ataxia of Charlevoix-Saguenay; SPASTIC ATAXIA 6, AUTOSOMAL RECESSIVE. Identifiers: Orphanet 98, MedGen C1849140, MONDO:0010041, OMIM 270550.

Allele frequency attached by ClinVar (database versions not stated): gnomAD exomes below 0.00001; ExAC 0.00001.
gnomAD v4.1: 1 of 1,613,918 alleles (0.000062%); highest among the groups gnomAD compares: Non-Finnish European, 0.000085%; no homozygotes.

Submissions (2):

Labcorp Genetics (formerly Invitae), Labcorp
Classification: Pathogenic for Spastic paraplegia. Last evaluated: 2023-08-16. Review status: criteria provided, single submitter. Criteria: Invitae Variant Classification Sherloc (09022015). Collection method: clinical testing. Allele origin: germline.
Comment: This sequence change creates a premature translational stop signal (p.Trp1279*) in the SACS gene. While this is not anticipated to result in nonsense mediated decay, it is expected to disrupt the last 3301 amino acid(s) of the SACS protein. This variant is not present in population databases (gnomAD no frequency). This variant has not been reported in the literature in individuals affected with SACS-related conditions. ClinVar contains an entry for this variant (Variation ID: 1343106). This variant disrupts a region of the SACS protein in which other variant(s) (p.Arg3903*) have been determined to be pathogenic (PMID: 19892370, 21745802). This suggests that this is a clinically significant region of the protein, and that variants that disrupt it are likely to be disease-causing. For these reasons, this variant has been classified as Pathogenic.

Genomic Diagnostics Laboratory, National Institute of Medical Genomics
Classification: Likely pathogenic for Charlevoix-Saguenay spastic ataxia. Last evaluated: 2019-01-01. Review status: criteria provided, single submitter. Criteria: ACMG Guidelines, 2015. Collection method: clinical testing. Allele origin: germline. Affected: yes. Observed: 3 variant alleles.

Literature cited by the submitters: PubMed 19892370 (cited by Labcorp Genetics (formerly Invitae), Labcorp); PubMed 21745802 (cited by Labcorp Genetics (formerly Invitae), Labcorp).